The following is an entry in ClinVar:

NM_133433.4(NIPBL):c.3530A>G (p.Lys1177Arg)

Gene: NIPBL (NIPBL cohesin loading factor; plus strand). Cytogenetic location: 5p13.2.
Variant type: single nucleotide variant.
Coding change: c.3530A>G on transcript NM_133433.4 (MANE Select); coding-DNA position 3530, A replaced by G.
Protein change: p.Lys1177Arg; replaces lysine 1177 with arginine.
Molecular consequence: missense variant.
Genome position (GRCh38, 1-based): chr5:37,000,844, A>G. VCF-style: chr5-37000844-A-G. GRCh37 (hg19) VCF-style: chr5-37000946-A-G.
Other names: c.3530A>G, p.Lys1177Arg (NM_015384.5); short protein forms K1177R.
Identifiers: ClinVar variation 2430719 (VCV002430719.1), dbSNP rs2478085756, ClinGen allele CA359518130.

ClinVar aggregate classification (germline): Uncertain significance (1 of 4 stars; one submission).

Submission:

GeneDx
Classification: Uncertain significance. Last evaluated: 2022-08-24. Review status: criteria provided, single submitter. Criteria: GeneDx Variant Classification Process June 2021. Collection method: clinical testing. Allele origin: germline. Affected: yes.
Comment: Not observed at significant frequency in large population cohorts (gnomAD); In silico analysis supports that this missense variant does not alter protein structure/function; Has not been previously published as pathogenic or benign to our knowledge